The following is an entry in ClinVar:

NM_006514.4(SCN10A):c.4450G>T (p.Val1484Phe)

Gene: SCN10A (sodium voltage-gated channel alpha subunit 10; minus strand). Cytogenetic location: 3p22.2.
Variant type: single nucleotide variant.
Coding change: c.4450G>T on transcript NM_006514.4 (MANE Select); coding-DNA position 4450, G replaced by T.
Protein change: p.Val1484Phe; replaces valine 1484 with phenylalanine.
Molecular consequence: missense variant.
Genome position (GRCh38, 1-based): chr3:38,702,046, C>A on the plus strand (G>T on the coding strand, the complement: SCN10A is on the minus strand). VCF-style: chr3-38702046-C-A. GRCh37 (hg19) VCF-style: chr3-38743537-C-A.
Other names: c.4447G>T, p.Val1483Phe (NM_001293306.2); c.4156G>T, p.Val1386Phe (NM_001293307.2); short protein forms V1386F, V1483F, V1484F.
Identifiers: ClinVar variation 1740708 (VCV001740708.2), dbSNP rs773638118, ClinGen allele CA2319888.

ClinVar aggregate classification (germline): Uncertain significance (1 of 4 stars; one submission).

Conditions:
Cardiovascular phenotype. Identifiers: MedGen CN230736.

Allele frequency attached by ClinVar (database versions not stated): TOPMed below 0.00001; gnomAD 0.00001; ExAC 0.00002.
gnomAD v4.1: 9 of 1,602,734 alleles (0.00056%); no homozygotes.

Submission:

Ambry Genetics
Classification: Uncertain significance for Cardiovascular phenotype. Last evaluated: 2019-09-23. Review status: criteria provided, single submitter. Criteria: Ambry Variant Classification Scheme 2023. Collection method: clinical testing. Allele origin: germline.
Comment: The p.V1484F variant (also known as c.4450G>T), located in coding exon 26 of the SCN10A gene, results from a G to T substitution at nucleotide position 4450. The valine at codon 1484 is replaced by phenylalanine, an amino acid with highly similar properties. This amino acid position is not well conserved in available vertebrate species. In addition, the in silico prediction for this alteration is inconclusive. Since supporting evidence is limited at this time, the clinical significance of this alteration remains unclear.